The following is an entry in ClinVar:

NM_176787.5(PIGN):c.1363A>G (p.Ile455Val)

Gene: PIGN (phosphatidylinositol glycan anchor biosynthesis class N; minus strand). Cytogenetic location: 18q21.33.
Variant type: single nucleotide variant.
Coding change: c.1363A>G on transcript NM_176787.5 (MANE Select); coding-DNA position 1363, A replaced by G.
Protein change: p.Ile455Val; replaces isoleucine 455 with valine.
Molecular consequence: missense variant.
Genome position (GRCh38, 1-based): chr18:62,113,205, T>C on the plus strand (A>G on the coding strand, the complement: PIGN is on the minus strand). VCF-style: chr18-62113205-T-C. GRCh37 (hg19) VCF-style: chr18-59780438-T-C.
Other names: c.1363A>G, p.Ile455Val (NM_012327.6); short protein forms I455V.
Identifiers: ClinVar variation 1309168 (VCV001309168.3), dbSNP rs761239739, ClinGen allele CA8982322.

ClinVar aggregate classification (germline): Uncertain significance. Review status: criteria provided, multiple submitters, no conflicts (2 of 4 stars). 2 submissions from 2 submitters: Uncertain significance (2). Last evaluated 2025-08-11.

Conditions:
Multiple congenital anomalies-hypotonia-seizures syndrome 1 (MCAHS1). Also called: GLYCOSYLPHOSPHATIDYLINOSITOL BIOSYNTHESIS DEFECT 3; PIGN-CDG; Congenital disorder of glycosylation due to PIGN deficiency. Identifiers: Orphanet 280633, MedGen C3279775, MONDO:0013563, OMIM 614080.

Allele frequency attached by ClinVar (database versions not stated): gnomAD 0.00001; ExAC 0.00002; gnomAD exomes 0.00002.
gnomAD v4.1: 7 of 1,612,808 alleles (0.00043%); highest among the groups gnomAD compares: South Asian, 0.0066%; no homozygotes.

Submissions (2):

Labcorp Genetics (formerly Invitae), Labcorp
Classification: Uncertain significance for Multiple congenital anomalies-hypotonia-seizures syndrome 1. Last evaluated: 2025-08-11. Review status: criteria provided, single submitter. Criteria: Invitae Variant Classification Sherloc (09022015). Collection method: clinical testing. Allele origin: germline.
Comment: This sequence change replaces isoleucine, which is neutral and non-polar, with valine, which is neutral and non-polar, at codon 455 of the PIGN protein (p.Ile455Val). This variant is present in population databases (rs761239739, gnomAD 0.01%). This variant has not been reported in the literature in individuals affected with PIGN-related conditions. ClinVar contains an entry for this variant (Variation ID: 1309168). Invitae Evidence Modeling of protein sequence and biophysical properties (such as structural, functional, and spatial information, amino acid conservation, physicochemical variation, residue mobility, and thermodynamic stability) indicates that this missense variant is not expected to disrupt PIGN protein function with a negative predictive value of 80%. Algorithms developed to predict the effect of sequence changes on RNA splicing suggest that this variant may disrupt the consensus splice site. In summary, the available evidence is currently insufficient to determine the role of this variant in disease. Therefore, it has been classified as a Variant of Uncertain Significance.

GeneDx
Classification: Uncertain significance. Last evaluated: 2019-10-14. Review status: criteria provided, single submitter. Criteria: GeneDx Variant Classification Process June 2021. Collection method: clinical testing. Allele origin: germline. Affected: yes.
Comment: Not observed at a significant frequency in large population cohorts (Lek et al., 2016); In silico analysis, which includes protein predictors and evolutionary conservation, supports that this variant does not alter protein structure/function; Has not been previously published as pathogenic or benign to our knowledge